The following is an entry in ClinVar:

ClinVar aggregate classification (germline): Likely pathogenic (1 of 4 stars; one submission).

Submission:

GeneDx
Classification: Likely pathogenic. Last evaluated: 2026-08-22. Review status: criteria provided, single submitter. Criteria: GeneDx Variant Classification Process June 2021. Collection method: clinical testing. Allele origin: germline.
Comment: Observed in multiple unrelated patients with aortic disease and/or Loeys-Dietz syndrome referred for genetic testing at GeneDx and in published literature (PMID: 27879313, 38199651); Not observed at significant frequency in large population cohorts (gnomAD); In silico analysis supports that this missense variant has a deleterious effect on protein structure/function; This variant is associated with the following publications: (PMID: 27879313, 38199651)

NM_004612.4(TGFBR1):c.844T>G (p.Tyr282Asp)

Gene: TGFBR1 (transforming growth factor beta receptor 1; plus strand). Cytogenetic location: 9q22.33.
Variant type: single nucleotide variant.
Coding change: c.844T>G on transcript NM_004612.4 (MANE Select); coding-DNA position 844, T replaced by G.
Protein change: p.Tyr282Asp; replaces tyrosine 282 with aspartic acid.
Molecular consequence: missense variant.
Genome position (GRCh38, 1-based): chr9:99,142,574, T>G. VCF-style: chr9-99142574-T-G. GRCh37 (hg19) VCF-style: chr9-101904856-T-G.
Other names: c.613T>G, p.Tyr205Asp (NM_001130916.3); c.856T>G, p.Tyr286Asp (NM_001306210.2); short protein forms Y205D, Y282D, Y286D.
Identifiers: ClinVar variation 1328802 (VCV001328802.7), dbSNP rs755827803, ClinGen allele CA374230569.